The following is an entry in ClinVar:

ClinVar aggregate classification (germline): Uncertain significance (1 of 4 stars; one submission).

Submission:

GeneDx
Classification: Uncertain significance. Last evaluated: 2026-04-18. Review status: criteria provided, single submitter. Criteria: GeneDx Variant Classification Process June 2021. Collection method: clinical testing. Allele origin: germline.
Comment: Not observed at significant frequency in large population cohorts (gnomAD); In silico analysis supports that this missense variant has a deleterious effect on protein structure/function; Has not been previously published as pathogenic or benign to our knowledge

NM_006268.5(DPF2):c.383T>A (p.Leu128Gln)

Gene: DPF2 (double PHD fingers 2; plus strand). Cytogenetic location: 11q13.1.
Variant type: single nucleotide variant.
Coding change: c.383T>A on transcript NM_006268.5 (MANE Select); coding-DNA position 383, T replaced by A.
Protein change: p.Leu128Gln; replaces leucine 128 with glutamine.
Molecular consequence: missense variant.
Genome position (GRCh38, 1-based): chr11:65,341,480, T>A. VCF-style: chr11-65341480-T-A. GRCh37 (hg19) VCF-style: chr11-65108951-T-A.
Other names: c.383T>A, p.Leu128Gln (NM_001330308.2); short protein forms L128Q.
Identifiers: ClinVar variation 5037254 (VCV005037254.1).